The following is an entry in ClinVar:

NM_000465.4(BARD1):c.1678-8A>G

Gene: BARD1 (BRCA1 associated RING domain 1; minus strand). Cytogenetic location: 2q35.
Variant type: single nucleotide variant.
Coding change: c.1678-8A>G on transcript NM_000465.4 (MANE Select); 8 bases into the intron before coding-DNA position 1678, A replaced by G.
Molecular consequence: intron variant.
Genome position (GRCh38, 1-based): chr2:214,745,862, T>C on the plus strand (A>G on the coding strand, the complement: BARD1 is on the minus strand). VCF-style: chr2-214745862-T-C. GRCh37 (hg19) VCF-style: chr2-215610586-T-C.
Other names: c.268-8A>G (NM_001282548.2); c.1621-8A>G (NM_001282543.2); c.325-8A>G (NM_001282545.2); c.365-15354A>G (NM_001282549.2).
Identifiers: ClinVar variation 2002171 (VCV002002171.7), dbSNP rs750028642, ClinGen allele CA2090187.

ClinVar aggregate classification (germline): Likely benign. Review status: criteria provided, multiple submitters, no conflicts (2 of 4 stars). 3 submissions from 3 submitters: Likely benign (3). Last evaluated 2024-07-26.

Conditions:
Familial cancer of breast. Also called: hereditary breast carcinoma; Hereditary breast cancer; BREAST CANCER, FAMILIAL. Identifiers: Orphanet 227535, MedGen C0346153, MONDO:0016419, OMIM 114480. Disease mechanism: loss of function.
Hereditary cancer-predisposing syndrome. Also called: Hereditary neoplastic syndrome; Hereditary Cancer Syndrome; Tumor predisposition; Neoplastic Syndromes, Hereditary. Identifiers: Orphanet 140162, MedGen C0027672, MeSH D009386, MONDO:0015356.

Allele frequency attached by ClinVar (database versions not stated): gnomAD exomes below 0.00001; ExAC 0.00001.
gnomAD v4.1: 6 of 1,613,882 alleles (0.00037%); highest among the groups gnomAD compares: South Asian, 0.0044%; no homozygotes.

Submissions (3):

Myriad Genetics, Inc.
Classification: Likely benign for Familial cancer of breast. Last evaluated: 2024-07-26. Review status: criteria provided, single submitter. Criteria: Myriad Autosomal Dominant, Autosomal Recessive and X-Linked Classification Criteria (2023). Collection method: clinical testing. Allele origin: unknown.
Comment: This variant is considered likely benign. This variant is intronic and is not expected to impact mRNA splicing.

Color Diagnostics, LLC DBA Color Health
Classification: Likely benign for Hereditary cancer-predisposing syndrome. Last evaluated: 2022-07-25. Review status: criteria provided, single submitter. Criteria: ACMG Guidelines, 2015. Collection method: clinical testing. Allele origin: germline.

Labcorp Genetics (formerly Invitae), Labcorp
Classification: Likely benign for Familial cancer of breast. Last evaluated: 2022-06-03. Review status: criteria provided, single submitter. Criteria: Invitae Variant Classification Sherloc (09022015). Collection method: clinical testing. Allele origin: germline.